The following is an entry in ClinVar:

ClinVar aggregate classification (germline): Benign/Likely benign. Review status: criteria provided, multiple submitters, no conflicts (2 of 4 stars). 5 submissions from 5 submitters: Benign (2); Likely benign (1). 2 of the submissions do not count toward it. Last evaluated 2026-02-01.

Conditions:
Seckel syndrome 7 (SCKL7). Identifiers: Orphanet 319675, MedGen C3553870, MONDO:0013922, OMIM 614851.
NIN-related disorder. Also called: NIN-related condition.

Allele frequency attached by ClinVar (database versions not stated): 1000 Genomes Project 0.01058; 1000 Genomes Project 30x 0.01140; gnomAD 0.01209 and 0.01304; TOPMed 0.01345; ESP Exome Variant Server 0.01407.
gnomAD v4.1: 3,554 of 1,614,090 alleles (0.22%); highest among the groups gnomAD compares: African/African-American, 4.3%; 70 homozygotes.

Submissions (5):

Labcorp Genetics (formerly Invitae), Labcorp
Classification: Benign. Last evaluated: 2026-02-01. Review status: criteria provided, single submitter. Criteria: Invitae Variant Classification Sherloc (09022015). Collection method: clinical testing. Allele origin: germline.

Fulgent Genetics
Classification: Likely benign for Seckel syndrome 7. Last evaluated: 2022-05-11. Review status: criteria provided, single submitter. Criteria: ACMG Guidelines, 2015. Collection method: clinical testing. Allele origin: unknown.

Breakthrough Genomics
Classification: Benign. Review status: criteria provided, single submitter. Criteria: ACMG Guidelines, 2015. Collection method: not provided. Allele origin: germline. Inheritance: Autosomal recessive inheritance. Affected: yes.

PreventionGenetics, part of Exact Sciences
Classification: Benign for NIN-related condition. Last evaluated: 2019-10-16. Review status: no assertion criteria provided. Collection method: clinical testing. Allele origin: germline. Not counted in ClinVar's aggregate classification.
Comment: This variant is classified as benign based on ACMG/AMP sequence variant interpretation guidelines (Richards et al. 2015 PMID: 25741868, with internal and published modifications).

Genetic Services Laboratory, University of Chicago
Classification: Likely benign for AllHighlyPenetrant. Review status: no assertion criteria provided. Collection method: clinical testing. Allele origin: germline. Inheritance: Autosomal recessive inheritance. Not counted in ClinVar's aggregate classification.
Comment: Likely benign based on allele frequency in 1000 Genomes Project or ESP global frequency and its presence in a patient with a rare or unrelated disease phenotype. NOT Sanger confirmed.

NM_020921.4(NIN):c.4866A>C (p.Glu1622Asp)

Gene: NIN (ninein; minus strand). Cytogenetic location: 14q22.1.
Variant type: single nucleotide variant.
Coding change: c.4866A>C on transcript NM_020921.4 (MANE Select); coding-DNA position 4866, A replaced by C.
Protein change: p.Glu1622Asp; replaces glutamic acid 1622 with aspartic acid.
Molecular consequence: missense variant.
Genome position (GRCh38, 1-based): chr14:50,752,602, T>G on the plus strand (A>C on the coding strand, the complement: NIN is on the minus strand). VCF-style: chr14-50752602-T-G. GRCh37 (hg19) VCF-style: chr14-51219320-T-G.
Other names: c.4866A>C, p.Glu1622Asp (NM_182946.2, NM_182944.3); c.2727A>C, p.Glu909Asp (NM_016350.5); short protein forms E1622D, E909D.
Identifiers: ClinVar variation 129792 (VCV000129792.19), dbSNP rs77959782, ClinGen allele CA154099.